The following is an entry in ClinVar:

NM_005529.7(HSPG2):c.12643C>T (p.Pro4215Ser)

Genes: HSPG2 (heparan sulfate proteoglycan 2; minus strand), LDLRAD2 (low density lipoprotein receptor class A domain containing 2; plus strand). Cytogenetic location: 1p36.12.
Variant type: single nucleotide variant.
Coding change: c.12643C>T on transcript NM_005529.7 (MANE Select); coding-DNA position 12643, C replaced by T.
Protein change: p.Pro4215Ser; replaces proline 4215 with serine.
Molecular consequence: missense variant. On other transcripts: 3 prime UTR variant (1).
Genome position (GRCh38, 1-based): chr1:21,824,726, G>A on the plus strand (C>T on the coding strand, the complement: HSPG2 is on the minus strand). VCF-style: chr1-21824726-G-A. GRCh37 (hg19) VCF-style: chr1-22151219-G-A.
Other names: c.12646C>T, p.Pro4216Ser (NM_001291860.2); c.*2511G>A (NM_001013693.3); short protein forms P4215S, P4216S.
Identifiers: ClinVar variation 3376983 (VCV003376983.1).

ClinVar aggregate classification (germline): Uncertain significance (1 of 4 stars; one submission).

Conditions:
Schwartz-Jampel syndrome type 1 (SJS1). Also called: MYOTONIC MYOPATHY, DWARFISM, CHONDRODYSTROPHY, AND OCULAR AND FACIAL ABNORMALITIES; CHONDRODYSTROPHIC MYOTONIA. Identifiers: MedGen C4551479, MONDO:0100435, OMIM 255800.

gnomAD v4.1: 6 of 1,613,716 alleles (0.00037%); highest among the groups gnomAD compares: South Asian, 0.0055%; no homozygotes.

Submission:

Victorian Clinical Genetics Services, Murdoch Childrens Research Institute
Classification: Uncertain significance for Schwartz-Jampel syndrome type 1. Last evaluated: 2024-10-09. Review status: criteria provided, single submitter. Criteria: ACMG Guidelines, 2015. Collection method: clinical testing. Allele origin: germline. Inheritance: Autosomal recessive inheritance. Affected: yes.
Comment: Based on the classification scheme VCGS_Germline_v1.3.4, this variant is classified as VUS-3A. Following criteria are met: 0102 - Loss of function is a known mechanism of disease in this gene and is associated with Silverman-Handmaker type dyssegmental dysplasia (MIM#224410) and Schwartz-Jampel syndrome, type 1 (MIM#255800). (I) 0106 - This gene is associated with autosomal recessive disease. (I) 0200 - Variant is predicted to result in a missense amino acid change from proline to serine. (I) 0251 - This variant is heterozygous. (I) 0304 - Variant is present in gnomAD <0.01 for a recessive condition (v2: 3 heterozygotes, 0 homozygotes). (SP) 0502 - Missense variant with conflicting in silico predictions and very high conservation. (I) 0604 - Variant is not located in an established domain, motif, hotspot or informative constraint region. (I) 0705 - No comparable missense variants have previous evidence for pathogenicity. (I) 0807 - This variant has no previous evidence of pathogenicity. (I) 0905 - No published segregation evidence has been identified for this variant. (I) 1007 - No published functional evidence has been identified for this variant. (I) 1201 - Heterozygous variant detected in trans with a pathogenic heterozygous variant (NM_005529.6:c.3994C>T; p.(Gln1332*)) in a recessive disease. (I) Legend: (SP) - Supporting pathogenic, (I) - Information, (SB) - Supporting benign